The following is an entry in ClinVar:

NM_001080449.3(DNA2):c.1808T>C (p.Phe603Ser)

Gene: DNA2 (DNA replication helicase/nuclease 2; minus strand). Cytogenetic location: 10q21.3.
Variant type: single nucleotide variant.
Coding change: c.1808T>C on transcript NM_001080449.3 (MANE Select); coding-DNA position 1808, T replaced by C.
Protein change: p.Phe603Ser; replaces phenylalanine 603 with serine.
Molecular consequence: missense variant. On other transcripts: non-coding transcript variant (1).
Genome position (GRCh38, 1-based): chr10:68,432,271, A>G on the plus strand (T>C on the coding strand, the complement: DNA2 is on the minus strand). VCF-style: chr10-68432271-A-G. GRCh37 (hg19) VCF-style: chr10-70192028-A-G.
Other names: short protein forms F603S.
Identifiers: ClinVar variation 985121 (VCV000985121.8), dbSNP rs778309817, ClinGen allele CA208203315.

ClinVar aggregate classification (germline): Uncertain significance. Review status: criteria provided, multiple submitters, no conflicts (2 of 4 stars). 2 submissions from 2 submitters: Uncertain significance (2). Last evaluated 2025-12-29.

Conditions:
Inborn genetic diseases. Identifiers: MedGen C0950123, MeSH D030342.

Allele frequency attached by ClinVar (database versions not stated): gnomAD exomes 0.00012 and 0.00002; TOPMed 0.00005; gnomAD 0.00006.
gnomAD v4.1: 182 of 1,609,742 alleles (0.011%); highest among the groups gnomAD compares: Non-Finnish European, 0.015%; no homozygotes.

Submissions (2):

Labcorp Genetics (formerly Invitae), Labcorp
Classification: Uncertain significance. Last evaluated: 2025-12-29. Review status: criteria provided, single submitter. Criteria: Invitae Variant Classification Sherloc (09022015). Collection method: clinical testing. Allele origin: germline.
Comment: This sequence change replaces phenylalanine, which is neutral and non-polar, with serine, which is neutral and polar, at codon 603 of the DNA2 protein (p.Phe603Ser). This variant is present in population databases (rs778309817, gnomAD 0.004%). This variant has not been reported in the literature in individuals affected with DNA2-related conditions. ClinVar contains an entry for this variant (Variation ID: 985121). Invitae Evidence Modeling of protein sequence and biophysical properties (such as structural, functional, and spatial information, amino acid conservation, physicochemical variation, residue mobility, and thermodynamic stability) indicates that this missense variant is expected to disrupt DNA2 protein function with a positive predictive value of 80%. In summary, the available evidence is currently insufficient to determine the role of this variant in disease. Therefore, it has been classified as a Variant of Uncertain Significance.

Ambry Genetics
Classification: Uncertain significance for Inborn genetic diseases. Last evaluated: 2023-08-07. Review status: criteria provided, single submitter. Criteria: Ambry Variant Classification Scheme 2023. Collection method: clinical testing. Allele origin: germline.
Comment: The p.F603S variant (also known as c.1808T>C) is located in coding exon 12 of the DNA2 gene. This alteration results from a T to C substitution at nucleotide position 1808, causing the phenylalanine (F) at amino acid position 603 to be replaced by a serine (S). This amino acid position is highly conserved in available vertebrate species. This alteration is predicted to be deleterious by in silico analysis. Based on insufficient or conflicting evidence, the clinical significance of this alteration remains unclear.

Literature cited by the submitters: PubMed 25356970 (cited by Ambry Genetics).